The following is an entry in ClinVar:

ClinVar aggregate classification (germline): Uncertain significance. Review status: reviewed by expert panel (3 of 4 stars). 3 submissions from 3 submitters: Uncertain significance (1). 2 of the submissions do not count toward it. Last evaluated 2025-11-19.

Conditions:
CYP1B1-related glaucoma with or without anterior segment dysgenesis. Identifiers: MedGen CN375931, MONDO:0800472.
Glaucoma 3A. Also called: Glaucoma 3, primary congenital, A. Identifiers: Orphanet 98976, Orphanet 98977, MedGen C1856439, MONDO:0009277, OMIM 231300.
Glaucoma 3, primary infantile, B. Also called: GLAUCOMA, PRIMARY CONGENITAL, TYPE B; GLC3B; Glaucoma primary congenita type 3B; GLC3 type B; Primary congenital glaucoma type 3B. Identifiers: Orphanet 98976, MedGen C1832977, MONDO:0010968, OMIM 600975.
Anterior segment dysgenesis 6 (ASGD6). Also called: Anterior segment dysgenesis 6, multiple subtypes. Identifiers: MedGen C4310623, MONDO:0015016, OMIM 617315.

Allele frequency attached by ClinVar (database versions not stated): gnomAD 0.00001; gnomAD exomes 0.00002 and 0.00004; ExAC 0.00022.
gnomAD v4.1: 34 of 1,574,780 alleles (0.0022%); highest among the groups gnomAD compares: South Asian, 0.032%; no homozygotes.

Submissions (3):

ClinGen Glaucoma Variant Curation Expert Panel
Classification: Uncertain significance for CYP1B1-related glaucoma with or without anterior segment dysgenesis. Last evaluated: 2025-11-19. Review status: reviewed by expert panel. Criteria: ClinGen CYP1B1 ACMG Specifications V1 Approved. Collection method: curation. Allele origin: germline. Inheritance: Autosomal recessive inheritance.
Comment: The c.431A>G variant in CYP1B1 is a missense variant predicted to cause substitution of Glutamine by Arginine at amino acid 144 (p.Gln144Arg). The highest minor allele frequency of this variant was in the South Asian genetic ancestry group of gnomAD (v4.1) = 0.0003193 (28 alleles out of 87702), which met the ≤ 0.0005 threshold set for PM2_Supporting in a genetic ancestry group of at least 2,000 alleles. This missense variant was not predicted to affect splicing, as assessed with SpliceAI (≤ 0.1), and the REVEL score = 0.445, which was neither above nor below the thresholds for PP3 (≥ 0.644) or BP4 (≤ 0.290), predicting a damaging or benign impact on CYP1B1 function. PS3_Supporting was not applied as the assays reported did not meet the OddsPath threshold (> 2.1) or the threshold for abnormal impact on protein function in the assay could not be determined (PMID: 27243976). This variant has not been identified as homozygous or compound heterozygous with one other variant. This person is excluded from assessing PM3 as the causative variant cannot be determined. In summary, this variant met the criteria to receive a score of 1 and to be classified as a variant of uncertain significance (uncertain significance classification range -1 to 5, adapted from PMID: 32720330) for CYP1B1-related glaucoma with or without anterior segment dysgenesis (ASD) based on the ACMG/AMP criteria met, as specified by the ClinGen Glaucoma VCEP (v1.0, 06.11.2025): PM2_Supporting.

Women's Health and Genetics/Laboratory Corporation of America, LabCorp
Classification: Uncertain significance. Last evaluated: 2024-07-30. Review status: criteria provided, single submitter. Criteria: LabCorp Variant Classification Summary - May 2015. Collection method: clinical testing. Allele origin: germline. Not counted in ClinVar's aggregate classification.
Comment: Variant summary: CYP1B1 c.431A>G (p.Gln144Arg) results in a conservative amino acid change in the encoded protein sequence. Four of five in-silico tools predict a benign effect of the variant on protein function. The variant allele was found at a frequency of 4.3e-05 in 184526 control chromosomes. c.431A>G has been reported in the literature as a non-informative genotype (i.e., second allele and/or phase not specified) in individuals with primary open-angle glycoma (POAG), juvenile onset open angle glaucoma (JOAG), primary angle closure (PACG) glaucoma and primary congenital galucoma (PCG) (example, Chakrabarti_2007, Khafagy_2016). These report(s) do not provide unequivocal conclusions about association of the variant with Primary Congenital Glaucoma. At least one publication reports experimental evidence evaluating an impact on protein function. The most pronounced variant effect results in a severe alteration in RA-metabolism without any comprehensive alteration in estradiol metabolism activity (Bannerjee_2016). Based on this functional outcome, the genotype to phenotype correlation was reported as "PCG (primary congenital glaucoma): Predicted for a homozygote". The following publications have been ascertained in the context of this evaluation (PMID: 27243976, 18055790, 31024815). ClinVar contains an entry for this variant (Variation ID: 1329081). Based on the evidence outlined above, the variant was classified as VUS-possibly pathogenic.

Fulgent Genetics
Classification: Uncertain significance for Glaucoma 3A; Glaucoma 3, primary infantile, B; Anterior segment dysgenesis 6. Last evaluated: 2022-01-11. Review status: criteria provided, single submitter. Criteria: ACMG Guidelines, 2015. Collection method: clinical testing. Allele origin: unknown. Not counted in ClinVar's aggregate classification.

Literature cited by the submitters: PubMed 27243976 (cited by Women's Health and Genetics/Laboratory Corporation of America, LabCorp); PubMed 18055790 (cited by Women's Health and Genetics/Laboratory Corporation of America, LabCorp); PubMed 31024815 (cited by Women's Health and Genetics/Laboratory Corporation of America, LabCorp).

NM_000104.4(CYP1B1):c.431A>G (p.Gln144Arg)

Gene: CYP1B1 (cytochrome P450 family 1 subfamily B member 1; minus strand). Cytogenetic location: 2p22.2.
Variant type: single nucleotide variant.
Coding change: c.431A>G on transcript NM_000104.4 (MANE Select); coding-DNA position 431, A replaced by G.
Protein change: p.Gln144Arg; replaces glutamine 144 with arginine.
Molecular consequence: missense variant.
Genome position (GRCh38, 1-based): chr2:38,074,958, T>C on the plus strand (A>G on the coding strand, the complement: CYP1B1 is on the minus strand). VCF-style: chr2-38074958-T-C. GRCh37 (hg19) VCF-style: chr2-38302101-T-C.
Other names: NM_000104.4(CYP1B1):c.431A>G; p.Gln144Arg; short protein forms Q144R.
Identifiers: ClinVar variation 1329081 (VCV001329081.3), dbSNP rs753847648, ClinGen allele CA1620036.